The following is an entry in ClinVar:

ClinVar aggregate classification (germline): Pathogenic (0 of 4 stars; one submission).

Submission:

Diagnostics Centre, Carl Von Ossietzky University Oldenburg
Classification: Pathogenic. Last evaluated: 2025-11-13. Review status: no assertion criteria provided. Collection method: clinical testing. Allele origin: germline. Affected: yes. Observed: 1 variant allele.
Comment: The identified variant is a heterozygous deletion in chromosome region 16p11.2. It spans approximately 750 kb and includes 34 genes. The exact breakpoints could not be determined using the method employed. Various pathogenic deletions of comparable location and size have been described in association with the so-called 16p11.2 microdeletion syndrome. This syndrome is associated, among other features, with developmental delay and epilepsy. It is estimated to affect approximately 1 in 5,000 individuals. The clinical spectrum is very broad and variable. Possible manifestations include developmental delay, particularly affecting speech, mild intellectual disability, and autism spectrum disorder. There is also a predisposition to obesity. Additional findings may include macrocephaly, muscle hypotonia, and minor congenital heart defects. EEG abnormalities, including epilepsy, may also occur. Brain imaging may reveal abnormalities such as ventriculomegaly or Chiari malformation type I. Other reported features include pyloric stenosis, hearing impairment, and abnormalities of the vertebral bodies. Because the deletion includes the PRRT2 gene, movement disorders may also develop over time, including paroxysmal kinesigenic dyskinesia, movement-induced choreoathetosis, and dystonia. The severity and combination of symptoms can vary considerably between affected individuals. The condition demonstrates variable expressivity and reduced penetrance. Asymptomatic individuals and individuals with only very mild manifestations have also been reported. In summary, this variant is classified as Pathogenic.

GRCh38/hg38 16p11.2(chr16:29545097-30188553)x1

Genes: ALDOA (aldolase, fructose-bisphosphate A; plus strand), ASPHD1 (aspartate beta-hydroxylase domain containing 1; plus strand), C16orf54 (chromosome 16 open reading frame 54; minus strand), CDIPT (CDP-diacylglycerol--inositol 3-phosphatidyltransferase; minus strand), CDIPTOSP (CDIP transferase opposite strand, pseudogene; plus strand) and 104 more. Cytogenetic location: 16p11.2.
Variant type: copy number loss.
Change: copy number 1 (one copy instead of two) of chr16:29,545,097-30,188,553 (643.5 kb, GRCh38 coordinates, 1-based), cytogenetic band 16p11.2.
Identifiers: ClinVar variation 4886797 (VCV004886797.1).